The following is an entry in ClinVar:

ClinVar aggregate classification (germline): Likely pathogenic (1 of 4 stars; one submission).

Submission:

GeneDx
Classification: Likely pathogenic. Last evaluated: 2022-10-25. Review status: criteria provided, single submitter. Criteria: GeneDx Variant Classification Process June 2021. Collection method: clinical testing. Allele origin: germline. Affected: yes.
Comment: Not observed at significant frequency in large population cohorts (gnomAD); In silico analysis supports that this missense variant has a deleterious effect on protein structure/function; Has not been previously published as pathogenic or benign to our knowledge

NM_004586.3(RPS6KA3):c.930A>T (p.Arg310Ser)

Gene: RPS6KA3 (ribosomal protein S6 kinase A3; minus strand). Cytogenetic location: Xp22.12.
Variant type: single nucleotide variant.
Coding change: c.930A>T on transcript NM_004586.3 (MANE Select); coding-DNA position 930, A replaced by T.
Protein change: p.Arg310Ser; replaces arginine 310 with serine.
Molecular consequence: missense variant.
Genome position (GRCh38, 1-based): chrX:20,177,000, T>A on the plus strand (A>T on the coding strand, the complement: RPS6KA3 is on the minus strand). VCF-style: chrX-20177000-T-A. GRCh37 (hg19) VCF-style: chrX-20195118-T-A.
Other names: short protein forms R310S.
Identifiers: ClinVar variation 2443388 (VCV002443388.1), dbSNP rs2519686615, ClinGen allele CA412518233.
Genomic context (GRCh38, chrX:20,177,000, plus strand): 5'-GCTAAAAACAAACACCAACAAACATACAACATAAACAAATTAGTTAAAATTTTTACCTAA[T>A]CTGTTTGCAGGATTTCGCTTGAAAAGCATTCGTAAAAGACTCTGCGCTTCAGGACTCAAA-3'
Protein context (NP_004577.1, residues 300-320): RMLFKRNPAN[Arg310Ser]LGAGPDGVEE